The following is an entry in ClinVar:

ClinVar aggregate classification (germline): Uncertain significance (1 of 4 stars; one submission).

Submission:

GeneDx
Classification: Uncertain significance. Last evaluated: 2026-02-02. Review status: criteria provided, single submitter. Criteria: GeneDx Variant Classification Process June 2021. Collection method: clinical testing. Allele origin: germline.
Comment: Not observed at significant frequency in large population cohorts (gnomAD); In silico analysis supports that this missense variant has a deleterious effect on protein structure/function; Has not been previously published as pathogenic or benign to our knowledge

NM_001170629.2(CHD8):c.4796T>G (p.Val1599Gly)

Gene: CHD8 (chromodomain helicase DNA binding protein 8; minus strand). Cytogenetic location: 14q11.2.
Variant type: single nucleotide variant.
Coding change: c.4796T>G on transcript NM_001170629.2 (MANE Select); coding-DNA position 4796, T replaced by G.
Protein change: p.Val1599Gly; replaces valine 1599 with glycine.
Molecular consequence: missense variant.
Genome position (GRCh38, 1-based): chr14:21,400,002, A>C on the plus strand (T>G on the coding strand, the complement: CHD8 is on the minus strand). VCF-style: chr14-21400002-A-C. GRCh37 (hg19) VCF-style: chr14-21868161-A-C.
Other names: c.3959T>G, p.Val1320Gly (NM_020920.4); short protein forms V1320G, V1599G.
Identifiers: ClinVar variation 4975596 (VCV004975596.1).